The following is an entry in ClinVar:

ClinVar aggregate classification (germline): Benign (1 of 4 stars; one submission).

Submission:

GeneDx
Classification: Benign. Last evaluated: 2018-06-19. Review status: criteria provided, single submitter. Criteria: GeneDx Variant Classification (06012015). Collection method: clinical testing. Allele origin: germline. Affected: yes.
Comment: This variant is considered likely benign or benign based on one or more of the following criteria: it is a conservative change, it occurs at a poorly conserved position in the protein, it is predicted to be benign by multiple in silico algorithms, and/or has population frequency not consistent with disease.

NM_020822.3(KCNT1):c.1510+183_1510+222del

Gene: KCNT1 (potassium sodium-activated channel subfamily T member 1; plus strand). Cytogenetic location: 9q34.3.
Variant type: Deletion.
Coding change: c.1510+183_1510+222del on transcript NM_020822.3 (MANE Select); bases 183 to 222 of the intron after coding-DNA position 1510, 40 bases deleted.
Molecular consequence: intron variant.
Genome position (GRCh38, 1-based): chr9:135,769,120-135,769,159, 40 bases deleted; deleting any 40 consecutive bases within chr9:135,769,104-135,769,159 gives the same sequence; the c. name uses the placement nearest the transcript's 3' end. GRCh37 (hg19): chr9:138,660,966-138,661,005.
Other names: c.1375+183_1375+222del (NM_001272003.2).
Identifiers: ClinVar variation 682131 (VCV000682131.1), dbSNP rs1564368224, ClinGen allele CA591145302.